The following is an entry in ClinVar:

ClinVar aggregate classification (germline): Likely pathogenic. Review status: criteria provided, multiple submitters, no conflicts (2 of 4 stars). 2 submissions from 2 submitters: Likely pathogenic (2). Last evaluated 2025-05-27.

Conditions:
Saldino-Mainzer syndrome (SRTD9). Also called: CONORENAL SYNDROME; SHORT-RIB THORACIC DYSPLASIA 9 WITHOUT POLYDACTYLY; Renal dysplasia, retinal pigmentary dystrophy, cerebellar ataxia and skeletal dysplasia; short-rib thoracic dysplasia 9 with or without polydactyly. Identifiers: Orphanet 140969, MedGen C1849437, MONDO:0009964, OMIM 266920.
Retinitis pigmentosa 80 (RP80). Identifiers: MedGen C4540439, MONDO:0054708, OMIM 617781.

Submissions (2):

Labcorp Genetics (formerly Invitae), Labcorp
Classification: Likely pathogenic for Saldino-Mainzer syndrome. Last evaluated: 2025-05-27. Review status: criteria provided, single submitter. Criteria: Invitae Variant Classification Sherloc (09022015). Collection method: clinical testing. Allele origin: germline.
Comment: This variant results in the deletion of part of exon 10 (c.1010-6_1013del) of the IFT140 gene. It is expected to disrupt RNA splicing. Variants that disrupt the donor or acceptor splice site typically lead to a loss of protein function (PMID: 16199547), and loss-of-function variants in IFT140 are known to be pathogenic (PMID: 22503633, 23418020, 24009529, 26216056). This variant is not present in population databases (gnomAD no frequency). This variant has not been reported in the literature in individuals affected with IFT140-related conditions. ClinVar contains an entry for this variant (Variation ID: 3578661). In summary, the currently available evidence indicates that the variant is pathogenic, but additional data are needed to prove that conclusively. Therefore, this variant has been classified as Likely Pathogenic.

Fulgent Genetics
Classification: Likely pathogenic for Saldino-Mainzer syndrome; Retinitis pigmentosa 80. Last evaluated: 2024-04-14. Review status: criteria provided, single submitter. Criteria: ACMG Guidelines, 2015. Collection method: clinical testing. Allele origin: germline.

Literature cited by the submitters: PubMed 16199547 (cited by Labcorp Genetics (formerly Invitae), Labcorp); PubMed 22503633 (cited by Labcorp Genetics (formerly Invitae), Labcorp); PubMed 23418020 (cited by Labcorp Genetics (formerly Invitae), Labcorp); PubMed 24009529 (cited by Labcorp Genetics (formerly Invitae), Labcorp); PubMed 26216056 (cited by Labcorp Genetics (formerly Invitae), Labcorp).

NM_014714.4(IFT140):c.1010-6_1013del

Genes: IFT140 (intraflagellar transport 140; minus strand), LOC105371046 (uncharacterized LOC105371046; plus strand). Cytogenetic location: 16p13.3.
Variant type: Deletion.
Coding change: c.1010-6_1013del on transcript NM_014714.4 (MANE Select); 6 bases into the intron before coding-DNA position 1010 through coding-DNA position 1013, 10 bases deleted (CTGTAGGTCT; older notation c.1010-6_1013delCTGTAGGTCT).
Molecular consequence: splice acceptor variant.
Genome position (GRCh38, 1-based): chr16:1,586,272-1,586,281, AGACCTACAG deleted on the plus strand (CTGTAGGTCT on the coding strand, the reverse complement: IFT140 is on the minus strand). VCF-style (leftmost placement, unchanged base first): chr16-1586271-AAGACCTACAG-A. GRCh37 (hg19) VCF-style: chr16-1636272-AAGACCTACAG-A.
Identifiers: ClinVar variation 3578661 (VCV003578661.2).